The following is an entry in ClinVar:

ClinVar aggregate classification (germline): Likely pathogenic. Review status: criteria provided, multiple submitters, no conflicts (2 of 4 stars). 2 submissions from 2 submitters: Likely pathogenic (2). Last evaluated 2026-09-10.

Conditions:
Autosomal dominant Alport syndrome (ATS3A). Also called: Alport syndrome dominant type; Renal failure and sensorineural hearing loss; ALPORT SYNDROME 3A, AUTOSOMAL DOMINANT. Identifiers: Orphanet 63, Orphanet 88918, MedGen C5882663, MONDO:0007086, OMIM 104200.
Hematuria, benign familial, 1 (BFH1). Also called: THIN MEMBRANE NEPHROPATHY. Identifiers: MedGen CN376803, MONDO:0007709, OMIM 141200.
Hematuria. Identifiers: MedGen C0018965, HP:0000790.

Submissions (2):

Genetics Laboratory, Great Ormond Street Hospital NHS Foundation Trust, North Thames Genomic Laboratory Hub
Classification: Likely pathogenic for Haematuria. Last evaluated: 2026-09-10. Review status: criteria provided, single submitter. Criteria: ACGS Best Practice Guidelines for Variant Classification in Rare Disease 2024 v1.2. Collection method: clinical testing. Allele origin: germline. Affected: yes.
Comment: PS4_supporting, PM2_moderate, PP3_supporting, PM1_strong, PP4_supporting

Centre de Génétique Humaine, Institut de Pathologie Et de Génétique
Classification: Likely pathogenic for Hematuria, benign familial, 1; Autosomal dominant Alport syndrome. Last evaluated: 2026-04-30. Review status: criteria provided, single submitter. Criteria: ACMG Guidelines, 2015. Collection method: clinical testing. Allele origin: maternal, germline, paternal. Inheritance: Autosomal dominant inheritance. Affected: yes. Observed: 5 variant alleles, 5 heterozygotes. Clinical features observed: Microscopic hematuria (HP:0002907), Moderate albuminuria (HP:0012594). Segregation with disease observed.
Comment: This missense variant involves a highly conserved glycine located in a ‘Gly-X-Y’ motif in collagenous region, which is characteristic of the pathogenic variants identified in the COL4A4 gene (PM1,PP2). This variant is rare: absent in gnomAD v4.1.0 database (PM2). In silico analysis supports that this missense variant has a deleterious effect (PP3). Described as LP in a patient with AD AS (PP5)

Literature cited by the submitters: PubMed 41872207 (cited by Centre de Génétique Humaine, Institut de Pathologie Et de Génétique).

NM_000092.5(COL4A4):c.1883G>A (p.Gly628Glu)

Gene: COL4A4 (collagen type IV alpha 4 chain; minus strand). Cytogenetic location: 2q36.3.
Variant type: single nucleotide variant.
Coding change: c.1883G>A on transcript NM_000092.5 (MANE Select); coding-DNA position 1883, G replaced by A.
Protein change: p.Gly628Glu; replaces glycine 628 with glutamic acid.
Molecular consequence: missense variant.
Genome position (GRCh38, 1-based): chr2:227,077,998, C>T on the plus strand (G>A on the coding strand, the complement: COL4A4 is on the minus strand). VCF-style: chr2-227077998-C-T. GRCh37 (hg19) VCF-style: chr2-227942714-C-T.
Other names: p.(Gly628Glu); short protein forms G628E.
Identifiers: ClinVar variation 4884690 (VCV004884690.2).
Genomic context (GRCh38, chr2:227,077,998, plus strand): 5'-CCTGGAACTCCTGGGTGGCCTCGCTCTCCTGGTGGACCAGGAAATCCCAGTCCTGGGGGC[C>T]CCACAGGTCCTGCTTTGCCTGGGGGGCCCAGAGGTCCAGGAAATCCTTTACCACCTGGGG-3'
Protein context (NP_000083.3, residues 618-638): LGPPGKAGPV[Gly628Glu]PPGLGFPGPP